The following is an entry in ClinVar:

ClinVar aggregate classification (germline): Uncertain significance. Review status: criteria provided, multiple submitters, no conflicts (2 of 4 stars). 2 submissions from 2 submitters: Uncertain significance (2). Last evaluated 2024-08-28.

Conditions:
Cardiovascular phenotype. Identifiers: MedGen CN230736.
Dilated cardiomyopathy 1W (CMD1W). Identifiers: Orphanet 154, MedGen C1969639, MONDO:0012667, OMIM 611407.

Allele frequency attached by ClinVar (database versions not stated): TOPMed below 0.00001.
gnomAD v4.1: 3 of 1,614,032 alleles (0.00019%); highest among the groups gnomAD compares: Non-Finnish European, 0.00025%; no homozygotes.

Submissions (2):

Labcorp Genetics (formerly Invitae), Labcorp
Classification: Uncertain significance for Dilated cardiomyopathy 1W. Last evaluated: 2024-08-28. Review status: criteria provided, single submitter. Criteria: Invitae Variant Classification Sherloc (09022015). Collection method: clinical testing. Allele origin: germline.
Comment: This sequence change replaces arginine, which is basic and polar, with tryptophan, which is neutral and slightly polar, at codon 759 of the VCL protein (p.Arg759Trp). This variant is present in population databases (rs774477633, gnomAD 0.003%). This variant has not been reported in the literature in individuals affected with VCL-related conditions. ClinVar contains an entry for this variant (Variation ID: 1788848). An algorithm developed to predict the effect of missense changes on protein structure and function (PolyPhen-2) suggests that this variant is likely to be disruptive. In summary, the available evidence is currently insufficient to determine the role of this variant in disease. Therefore, it has been classified as a Variant of Uncertain Significance.

Ambry Genetics
Classification: Uncertain significance for Cardiovascular phenotype. Last evaluated: 2022-06-09. Review status: criteria provided, single submitter. Criteria: Ambry Variant Classification Scheme 2023. Collection method: clinical testing. Allele origin: germline.
Comment: The p.R759W variant (also known as c.2275C>T), located in coding exon 16 of the VCL gene, results from a C to T substitution at nucleotide position 2275. The arginine at codon 759 is replaced by tryptophan, an amino acid with dissimilar properties. This amino acid position is conserved. In addition, the in silico prediction for this alteration is inconclusive. Since supporting evidence is limited at this time, the clinical significance of this alteration remains unclear.

NM_014000.3(VCL):c.2275C>T (p.Arg759Trp)

Gene: VCL (vinculin; plus strand). Cytogenetic location: 10q22.2.
Variant type: single nucleotide variant.
Coding change: c.2275C>T on transcript NM_014000.3 (MANE Select); coding-DNA position 2275, C replaced by T.
Protein change: p.Arg759Trp; replaces arginine 759 with tryptophan.
Molecular consequence: missense variant.
Genome position (GRCh38, 1-based): chr10:74,105,194, C>T. VCF-style: chr10-74105194-C-T. GRCh37 (hg19) VCF-style: chr10-75864952-C-T.
Other names: c.2275C>T, p.Arg759Trp (NM_003373.4); short protein forms R759W.
Identifiers: ClinVar variation 1788848 (VCV001788848.7), dbSNP rs774477633, ClinGen allele CA5563185.